The following is an entry in ClinVar:

NM_000245.4(MET):c.-7T>C

Gene: MET (MET proto-oncogene, receptor tyrosine kinase; plus strand). Cytogenetic location: 7q31.2.
Variant type: single nucleotide variant.
Coding change: c.-7T>C on transcript NM_000245.4 (MANE Select); 7 bases upstream of the start codon, T replaced by C.
Molecular consequence: 5 prime UTR variant. On other transcripts: intron variant (1).
Genome position (GRCh38, 1-based): chr7:116,699,078, T>C. VCF-style: chr7-116699078-T-C. GRCh37 (hg19) VCF-style: chr7-116339132-T-C.
Other names: c.-7T>C (NM_001127500.3, NM_001324401.3, NM_001127500.2); c.-91+26501T>C (NM_001324402.2).
Identifiers: ClinVar variation 215784 (VCV000215784.5), dbSNP rs863224376, ClinGen allele CA337308.

ClinVar aggregate classification (germline): Likely benign. Review status: criteria provided, multiple submitters, no conflicts (2 of 4 stars). 3 submissions from 2 submitters: Likely benign (3). Last evaluated 2026-07-15.

Conditions:
Renal cell carcinoma. Identifiers: Orphanet 217071, MedGen C0007134, MeSH D002292, MONDO:0005086, HP:0005584.
MET-related disorder. Also called: MET-related condition.
Papillary renal cell carcinoma type 1 (RCCP1). Also called: Renal adenocarcinoma; Renal cell carcinoma 1; Renal cell carcinoma, somatic; RENAL CELL CARCINOMA, PAPILLARY, 1, SOMATIC. Identifiers: Orphanet 47044, MedGen C1336839, OMIM 605074, HP:0011797.

Allele frequency attached by ClinVar (database versions not stated): TOPMed below 0.00001; gnomAD 0.00001; gnomAD exomes below 0.00001.
gnomAD v4.1: 2 of 1,613,682 alleles (0.00012%); highest among the groups gnomAD compares: Non-Finnish European, 0.00017%; no homozygotes.

Submissions (3):

PreventionGenetics, part of Exact Sciences
Classification: Likely benign for MET-related condition. Last evaluated: 2026-07-15. Review status: criteria provided, single submitter. Criteria: ACMG Guidelines, 2015. Collection method: clinical testing. Allele origin: germline.
Comment: This variant is classified as likely benign based on ACMG/AMP sequence variant interpretation guidelines (Richards et al. 2015 PMID: 25741868, with internal and published modifications).

Labcorp Genetics (formerly Invitae), Labcorp
Classification: Likely benign for Renal cell carcinoma. Last evaluated: 2025-07-30. Review status: criteria provided, single submitter. Criteria: Invitae Variant Classification Sherloc (09022015). Collection method: clinical testing. Allele origin: germline.

Labcorp Genetics (formerly Invitae), Labcorp
Classification: Likely benign for Renal cell carcinoma. Last evaluated: 2015-08-14. Review status: criteria provided, single submitter. Criteria: Invitae Variant Classification Sherloc (09022015). Collection method: clinical testing. Allele origin: germline.